The following is an entry in ClinVar:

ClinVar aggregate classification (germline): Uncertain significance. Review status: criteria provided, multiple submitters, no conflicts (2 of 4 stars). 13 submissions from 13 submitters: Uncertain significance (11). 2 of the submissions do not count toward it. Last evaluated 2026-05-15.

Conditions:
CFTR-related disorder (CFTR-RD). Also called: CFTR-related disorders; CFTR-related condition. Identifiers: MedGen C5924204, MONDO:7770004.
Congenital bilateral aplasia of vas deferens from CFTR mutation (CBAVD). Identifiers: Orphanet 48, MedGen C0403814, MONDO:0010178, OMIM 277180. Disease mechanism: loss of function.
Cystic fibrosis (CF). Also called: MUCOVISCIDOSIS. Identifiers: Orphanet 586, MedGen C0010674, MONDO:0009061, OMIM 219700. Disease mechanism: loss of function.
Hereditary pancreatitis (PCTT). Also called: PRSS1-Related Hereditary Pancreatitis; Hereditary chronic pancreatitis. Identifiers: Orphanet 676, MedGen C0238339, MONDO:0008185, OMIM 167800.
Bronchiectasis with or without elevated sweat chloride 1 (BESC1). Also called: Cystic Fibrosis-Like Syndrome. Identifiers: Orphanet 60033, MedGen C2749757, MONDO:0008887, OMIM 211400.

Allele frequency attached by ClinVar (database versions not stated): gnomAD 0.00001; TOPMed 0.00001; gnomAD exomes 0.00003 and 0.00008; ExAC 0.00007; 1000 Genomes Project 30x 0.00016; 1000 Genomes Project 0.00020.
gnomAD v4.1: 48 of 1,614,122 alleles (0.003%); highest among the groups gnomAD compares: South Asian, 0.035%; 1 homozygote.

Submissions (13):

Women's Health and Genetics/Laboratory Corporation of America, LabCorp
Classification: Uncertain significance. Last evaluated: 2026-05-15. Review status: criteria provided, single submitter. Criteria: LabCorp Variant Classification Summary - May 2015. Collection method: clinical testing. Allele origin: germline.
Comment: Variant summary: CFTR c.2756A>G (p.Tyr919Cys) results in a non-conservative amino acid change located in the ABC transporter type 1, transmembrane domain (IPR011527) of the encoded protein sequence. Algorithms developed to predict the effect of missense changes on protein structure and function all suggest that this variant is likely to be disruptive. The variant allele was found at a frequency of 7.6e-05 in 251398 control chromosomes (gnomAD). This frequency is not significantly higher than estimated for a pathogenic variant in CFTR causing Cystic Fibrosis (7.6e-05 vs 0.013), allowing no conclusion about variant significance. c.2756A>G has been reported in the literature in individuals affected with cystic fibrosis (example: Savov_1994, Zietkiewicz_2014, Kay_2015), and at least one of these individuals also had a truncating mutation on the same allele (Kay_2015). Additionally, the variant was reported in a child with high sweat chloride, but no clinical symptoms of CF, along with a pathogenic second allele (Minso_2020). These reports do not provide unequivocal conclusions about association of the variant with cystic fibrosis. At least two publications report experimental evidence evaluating the impact of this variant on channel function (Bihler_2024, Negoda_2019). The most pronounced variant effect resulted in approximately (Gt channel conductance) 44% of normal chloride channel conductance relative to wild type (e.g., Bihler_2024). The following publications have been ascertained in the context of this evaluation (PMID: 38388235, 12007216, 33572515, 34740355, 29581173, 34426522, 26098992, 33020115, 37274793, 30758641, 25735457, 34996830, 7512860, 24586523). ClinVar contains an entry for this variant (Variation ID: 53560). Based on the evidence outlined above, the variant was classified as VUS-possibly pathogenic.

Mayo Clinic Laboratories, Mayo Clinic
Classification: Uncertain significance. Last evaluated: 2025-10-07. Review status: criteria provided, single submitter. Criteria: ACMG Guidelines, 2015. Collection method: clinical testing. Allele origin: germline. Observed: 1 variant allele.
Comment: PP3_moderate

ARUP Laboratories, Molecular Genetics and Genomics, ARUP Laboratories
Classification: Uncertain significance. Last evaluated: 2025-05-07. Review status: criteria provided, single submitter. Criteria: ARUP Molecular Germline Variant Investigation Process 2024. Collection method: clinical testing. Allele origin: germline.
Comment: The CFTR c.2756A>G; p.Tyr919Cys variant (rs397508430, ClinVar Variation ID: 53560) is reported in the literature in an individual affected with cystic fibrosis (CF; Kuzmenko 2024) in the compound heterozygous state with a known CF-causing variant. It is also reported other individuals affected with cystic fibrosis, however a second variant was not identified in these individuals (Savov 1994, Zietkiewicz 2014). In addition, this variant was detected on the same allele as a truncating variant (Kay 2015). This variant is found in the South Asian population with an allele frequency of 0.04% (13/30616 alleles) in the Genome Aggregation Database (v2.1.1). Computational analyses predict that this variant is deleterious (REVEL: 0.92). However, given the lack of clinical and functional data, the significance of the p.Tyr919Cys variant is uncertain at this time. References: Kay DM et al. Utility of a very high IRT/No mutation referral category in cystic fibrosis newborn screening. Pediatr Pulmonol. 2015 Aug;50(8):771-80. PMID: 26098992. Kuzmenko N et al. Genetic Characteristics of a Large Pediatric Cohort of Patients with Inborn Errors of Immunity: Single-Center Experience. J Clin Immunol. 2024 Jul 25;44(7):165. PMID: 39052144. Savov A et al. Identification of six novel mutations in the CFTR gene of patients from Bulgaria by screening the twenty seven exons and exon/intron boundaries using DGGE and direct DNA sequencing. Hum Mol Genet. 1994 Jan;3(1):57-60. PMID: 7512860. Zietkiewicz E et al. CFTR mutations spectrum and the efficiency of molecular diagnostics in Polish cystic fibrosis patients. PLoS One. 2014 Feb 26;9(2):e89094. PMID: 24586523.

Labcorp Genetics (formerly Invitae), Labcorp
Classification: Uncertain significance for Cystic fibrosis. Last evaluated: 2025-01-11. Review status: criteria provided, single submitter. Criteria: Invitae Variant Classification Sherloc (09022015). Collection method: clinical testing. Allele origin: germline.
Comment: This sequence change replaces tyrosine, which is neutral and polar, with cysteine, which is neutral and slightly polar, at codon 919 of the CFTR protein (p.Tyr919Cys). This variant is present in population databases (rs397508430, gnomAD 0.04%). This missense change has been observed in individual(s) with cystic fibrosis (PMID: 7512860, 24586523, 26098992). ClinVar contains an entry for this variant (Variation ID: 53560). Invitae Evidence Modeling of protein sequence and biophysical properties (such as structural, functional, and spatial information, amino acid conservation, physicochemical variation, residue mobility, and thermodynamic stability) indicates that this missense variant is expected to disrupt CFTR protein function with a positive predictive value of 80%. Experimental studies have shown that this missense change does not substantially affect CFTR function (PMID: 30758641). In summary, the available evidence is currently insufficient to determine the role of this variant in disease. Therefore, it has been classified as a Variant of Uncertain Significance.

Blueprint Genetics
Classification: Uncertain significance. Last evaluated: 2024-11-22. Review status: criteria provided, single submitter. Criteria: ACMG Guidelines, 2015. Collection method: clinical testing. Allele origin: germline.

Ambry Genetics
Classification: Uncertain significance for Cystic fibrosis. Last evaluated: 2023-11-20. Review status: criteria provided, single submitter. Criteria: Ambry Variant Classification Scheme 2023. Collection method: clinical testing. Allele origin: germline.
Comment: The p.Y919C variant (also known as c.2756A>G), located in coding exon 17 of the CFTR gene, results from an A to G substitution at nucleotide position 2756. The tyrosine at codon 919 is replaced by cysteine, an amino acid with highly dissimilar properties. This alteration has been identified in multiple individuals diagnosed with cystic fibrosis (Savov A et al. Hum. Mol. Genet., 1994 Jan;3:57-60; Zitkiewicz E et al. PLoS One, 2014 Feb;9:e89094). This amino acid position is well conserved in available vertebrate species. In addition, this alteration is predicted to be deleterious by in silico analysis. Since supporting evidence is limited at this time, the clinical significance of this alteration remains unclear.

Fulgent Genetics
Classification: Uncertain significance for Hereditary pancreatitis; Bronchiectasis with or without elevated sweat chloride 1; Cystic fibrosis; Congenital bilateral aplasia of vas deferens from CFTR mutation. Last evaluated: 2022-02-23. Review status: criteria provided, single submitter. Criteria: ACMG Guidelines, 2015. Collection method: clinical testing. Allele origin: unknown.

MGZ Medical Genetics Center
Classification: Uncertain significance for Congenital bilateral aplasia of vas deferens from CFTR mutation. Last evaluated: 2021-10-01. Review status: criteria provided, single submitter. Criteria: ACMG Guidelines, 2015. Collection method: clinical testing. Allele origin: germline. Affected: yes. Observed: 1 variant allele.
Comment: ACMG criteria applied: PM2_SUP, PP3, BP2

Genome-Nilou Lab
Classification: Uncertain significance for Cystic fibrosis. Last evaluated: 2021-09-05. Review status: criteria provided, single submitter. Criteria: ACMG Guidelines, 2015. Collection method: clinical testing. Allele origin: germline. Affected: no.

CeGaT Center for Human Genetics Tuebingen
Classification: Uncertain significance. Last evaluated: 2020-12-01. Review status: criteria provided, single submitter. Criteria: CeGaT Center For Human Genetics Tuebingen Variant Classification Criteria Version 2. Collection method: clinical testing. Allele origin: germline. Affected: yes. Observed: 1 variant allele.

Eurofins Ntd Llc (ga)
Classification: Uncertain significance. Last evaluated: 2018-07-06. Review status: criteria provided, single submitter. Criteria: EGL ClinVar v180209 classification definitions. Collection method: clinical testing. Allele origin: germline. Observed: 1 variant allele, 1 heterozygote.

Natera, Inc.
Classification: Uncertain significance for CFTR-related disorders. Last evaluated: 2018-08-23. Review status: no assertion criteria provided. Collection method: clinical testing. Allele origin: germline. Not counted in ClinVar's aggregate classification.

ClinVar Staff, National Center for Biotechnology Information (NCBI)
No classification provided. Condition: CFTR-related disorders. Review status: no classification provided. Collection method: literature only. Allele origin: germline. Affected: yes. Not counted in ClinVar's aggregate classification.

Literature cited by the submitters: PubMed 12007216 (cited by Women's Health and Genetics/Laboratory Corporation of America, LabCorp and Mayo Clinic Laboratories, Mayo Clinic); PubMed 7512860 (cited by 6 submitters); PubMed 24586523 (cited by 4 submitters); PubMed 25735457 (cited by Women's Health and Genetics/Laboratory Corporation of America, LabCorp); PubMed 26098992 (cited by 3 submitters); PubMed 29581173 (cited by Women's Health and Genetics/Laboratory Corporation of America, LabCorp); PubMed 30758641 (cited by 3 submitters); PubMed 33020115 (cited by Women's Health and Genetics/Laboratory Corporation of America, LabCorp); PubMed 33572515 (cited by Women's Health and Genetics/Laboratory Corporation of America, LabCorp and Mayo Clinic Laboratories, Mayo Clinic); PubMed 34426522 (cited by Women's Health and Genetics/Laboratory Corporation of America, LabCorp); PubMed 34996830 (cited by Women's Health and Genetics/Laboratory Corporation of America, LabCorp); PubMed 34740355 (cited by Women's Health and Genetics/Laboratory Corporation of America, LabCorp and Mayo Clinic Laboratories, Mayo Clinic); PubMed 38388235 (cited by Women's Health and Genetics/Laboratory Corporation of America, LabCorp and Mayo Clinic Laboratories, Mayo Clinic); PubMed 37274793 (cited by Women's Health and Genetics/Laboratory Corporation of America, LabCorp and Mayo Clinic Laboratories, Mayo Clinic).

NM_000492.4(CFTR):c.2756A>G (p.Tyr919Cys)

Gene: CFTR (CF transmembrane conductance regulator; plus strand). Cytogenetic location: 7q31.2.
Variant type: single nucleotide variant.
Coding change: c.2756A>G on transcript NM_000492.4 (MANE Select); coding-DNA position 2756, A replaced by G.
Protein change: p.Tyr919Cys; replaces tyrosine 919 with cysteine.
Molecular consequence: missense variant.
Genome position (GRCh38, 1-based): chr7:117,603,630, A>G. VCF-style: chr7-117603630-A-G. GRCh37 (hg19) VCF-style: chr7-117243684-A-G.
Other names: p.Tyr919Cys; short protein forms Y919C.
Identifiers: ClinVar variation 53560 (VCV000053560.61), dbSNP rs397508430, ClinGen allele CA326914.